The following is an entry in ClinVar:

ClinVar aggregate classification (germline): Uncertain significance. Review status: criteria provided, multiple submitters, no conflicts (2 of 4 stars). 4 submissions from 4 submitters: Uncertain significance (4). Last evaluated 2026-01-14.

Conditions:
Hereditary breast ovarian cancer syndrome. Also called: Hereditary breast and ovarian cancer; Hereditary breast and/or ovarian cancer syndrome; BRCA1- and BRCA2-Associated Hereditary Breast and Ovarian Cancer; Hereditary breast and ovarian cancer syndrome; Hereditary breast and ovarian cancer syndrome (HBOC); Breast and ovarian cancer. Identifiers: Orphanet 145, MedGen C0677776, MeSH D061325, MONDO:0003582. Disease mechanism: loss of function.
Hereditary cancer-predisposing syndrome. Also called: Tumor predisposition; Hereditary Cancer Syndrome; Hereditary neoplastic syndrome; Neoplastic Syndromes, Hereditary. Identifiers: Orphanet 140162, MedGen C0027672, MeSH D009386, MONDO:0015356.

Allele frequency attached by ClinVar (database versions not stated): gnomAD below 0.00001 and 0.00001; ExAC 0.00001; gnomAD exomes 0.00001.
gnomAD v4.1: 9 of 1,613,710 alleles (0.00056%); highest among the groups gnomAD compares: South Asian, 0.0022%; no homozygotes.

Submissions (4):

Labcorp Genetics (formerly Invitae), Labcorp
Classification: Uncertain significance for Hereditary breast ovarian cancer syndrome. Last evaluated: 2026-01-14. Review status: criteria provided, single submitter. Criteria: Invitae Variant Classification Sherloc (09022015). Collection method: clinical testing. Allele origin: germline.
Comment: This sequence change replaces histidine, which is basic and polar, with arginine, which is basic and polar, at codon 2415 of the BRCA2 protein (p.His2415Arg). This variant is present in population databases (rs781092796, gnomAD 0.006%). This missense change has been observed in individual(s) with ocular melanoma (PMID: 12385017). ClinVar contains an entry for this variant (Variation ID: 409424). Invitae Evidence Modeling of protein sequence and biophysical properties (such as structural, functional, and spatial information, amino acid conservation, physicochemical variation, residue mobility, and thermodynamic stability) indicates that this missense variant is not expected to disrupt BRCA2 protein function with a negative predictive value of 95%. In summary, the available evidence is currently insufficient to determine the role of this variant in disease. Therefore, it has been classified as a Variant of Uncertain Significance.

Ambry Genetics
Classification: Uncertain significance for Hereditary cancer-predisposing syndrome. Last evaluated: 2024-05-21. Review status: criteria provided, single submitter. Criteria: Ambry Variant Classification Scheme 2023. Collection method: clinical testing. Allele origin: germline.
Comment: The p.H2415R variant (also known as c.7244A>G), located in coding exon 13 of the BRCA2 gene, results from an A to G substitution at nucleotide position 7244. The histidine at codon 2415 is replaced by arginine, an amino acid with highly similar properties. This alteration was identified in an individual diagnosed with ocular melanoma (Scott RJ et al. Int J Cancer, 2002 Nov;102:188-91). This amino acid position is not well conserved in available vertebrate species. In addition, the in silico prediction for this alteration is inconclusive. Based on the available evidence, the clinical significance of this variant remains unclear.

GeneDx
Classification: Uncertain significance. Last evaluated: 2022-08-23. Review status: criteria provided, single submitter. Criteria: GeneDx Variant Classification Process June 2021. Collection method: clinical testing. Allele origin: germline. Affected: yes.
Comment: Not observed at significant frequency in large population cohorts (gnomAD); In silico analysis supports that this missense variant does not alter protein structure/function; Also known as 7472A>G; Observed in an individual with ocular melanoma (Scott et al., 2002); This variant is associated with the following publications: (PMID: 28591715, 12385017)

Color Diagnostics, LLC DBA Color Health
Classification: Uncertain significance for Hereditary cancer-predisposing syndrome. Last evaluated: 2020-02-03. Review status: criteria provided, single submitter. Criteria: ACMG Guidelines, 2015. Collection method: clinical testing. Allele origin: germline.
Comment: This missense variant replaces histidine with arginine at codon 2415 of the BRCA2 protein. Computational prediction suggests that this variant may not impact protein structure and function (internally defined REVEL score threshold <= 0.5, PMID: 27666373). Splice site prediction tools suggest that this variant may not impact RNA splicing. To our knowledge, functional studies have not been performed for this variant. This variant has been reported in an individual affected with ocular melanoma (PMID: 12385017). This variant has been identified in 2/251274 chromosomes in the general population by the Genome Aggregation Database (gnomAD). The available evidence is insufficient to determine the role of this variant in disease conclusively. Therefore, this variant is classified as a Variant of Uncertain Significance.

Literature cited by the submitters: PubMed 12385017 (cited by Labcorp Genetics (formerly Invitae), Labcorp and Ambry Genetics).

NM_000059.4(BRCA2):c.7244A>G (p.His2415Arg)

Gene: BRCA2 (BRCA2 DNA repair associated; plus strand). Cytogenetic location: 13q13.1.
Variant type: single nucleotide variant.
Coding change: c.7244A>G on transcript NM_000059.4 (MANE Select); coding-DNA position 7244, A replaced by G.
Protein change: p.His2415Arg; replaces histidine 2415 with arginine.
Molecular consequence: missense variant.
Genome position (GRCh38, 1-based): chr13:32,355,097, A>G. VCF-style: chr13-32355097-A-G. GRCh37 (hg19) VCF-style: chr13-32929234-A-G.
Other names: short protein forms H2415R.
Identifiers: ClinVar variation 409424 (VCV000409424.17), dbSNP rs781092796, ClinGen allele CA6941074.
Genomic context (GRCh38, chr13:32,355,097, plus strand): 5'-ACTTGATTACTACAGGCAGACCAACCAAAGTCTTTGTTCCACCTTTTAAAACTAAATCAC[A>G]TTTTCACAGAGTTGAACAGTGTGTTAGGAATATTAACTTGGAGGAAAACAGACAAAAGCA-3'
Protein context (NP_000050.3, residues 2405-2425): VFVPPFKTKS[His2415Arg]FHRVEQCVRN